The following is an entry in ClinVar:

ClinVar aggregate classification (germline): Uncertain significance (1 of 4 stars; one submission).

Conditions:
Hereditary cancer-predisposing syndrome. Also called: Neoplastic Syndromes, Hereditary; Tumor predisposition; Hereditary neoplastic syndrome; Hereditary Cancer Syndrome. Identifiers: Orphanet 140162, MedGen C0027672, MeSH D009386, MONDO:0015356.
Cardiovascular phenotype. Identifiers: MedGen CN230736.

Submission:

Ambry Genetics
Classification: Uncertain significance for Cardiovascular phenotype; Hereditary cancer-predisposing syndrome. Last evaluated: 2024-01-29. Review status: criteria provided, single submitter. Criteria: Ambry Variant Classification Scheme 2023. Collection method: clinical testing. Allele origin: germline.
Comment: The p.P269A variant (also known as c.805C>G), located in coding exon 9 of the LZTR1 gene, results from a C to G substitution at nucleotide position 805. The proline at codon 269 is replaced by alanine, an amino acid with highly similar properties. This amino acid position is conserved. In addition, this alteration is predicted to be tolerated by in silico analysis. Based on the available evidence, the clinical significance of this alteration remains unclear.

NM_006767.4(LZTR1):c.805C>G (p.Pro269Ala)

Gene: LZTR1 (leucine zipper like post translational regulator 1; plus strand). Cytogenetic location: 22q11.21.
Variant type: single nucleotide variant.
Coding change: c.805C>G on transcript NM_006767.4 (MANE Select); coding-DNA position 805, C replaced by G.
Protein change: p.Pro269Ala; replaces proline 269 with alanine.
Molecular consequence: missense variant.
Genome position (GRCh38, 1-based): chr22:20,991,641, C>G. VCF-style: chr22-20991641-C-G. GRCh37 (hg19) VCF-style: chr22-21345930-C-G.
Other names: short protein forms P269A.
Identifiers: ClinVar variation 3238344 (VCV003238344.1), dbSNP rs1202494761.